The following is an entry in ClinVar:

NM_001042492.3(NF1):c.205-6T>A

Gene: NF1 (neurofibromin 1; plus strand). Cytogenetic location: 17q11.2.
Variant type: single nucleotide variant.
Coding change: c.205-6T>A on transcript NM_001042492.3 (MANE Select); 6 bases into the intron before coding-DNA position 205, T replaced by A.
Molecular consequence: intron variant.
Genome position (GRCh38, 1-based): chr17:31,159,004, T>A. VCF-style: chr17-31159004-T-A. GRCh37 (hg19) VCF-style: chr17-29486022-T-A.
Other names: c.205-6T>A (NM_000267.4, NM_001128147.3).
Identifiers: ClinVar variation 816750 (VCV000816750.3), dbSNP rs1243948503, ClinGen allele CA728018537.

ClinVar aggregate classification (germline): Pathogenic/Likely pathogenic. Review status: criteria provided, multiple submitters, no conflicts (2 of 4 stars). 2 submissions from 2 submitters: Pathogenic (1); Likely pathogenic (1). Last evaluated 2026-07-08.

Conditions:
Cardiovascular phenotype. Identifiers: MedGen CN230736.
Hereditary cancer-predisposing syndrome. Also called: Tumor predisposition; Hereditary Cancer Syndrome; Neoplastic Syndromes, Hereditary; Hereditary neoplastic syndrome. Identifiers: Orphanet 140162, MedGen C0027672, MeSH D009386, MONDO:0015356.
Neurofibromatosis, type 1 (NF1). Also called: NEUROFIBROMATOSIS, TYPE I, SOMATIC; VON RECKLINGHAUSEN DISEASE; Neurofibromatosis, type I; Peripheral type neurofibromatosis. Identifiers: Orphanet 636, MedGen C0027831, MONDO:0018975, OMIM 162200. Disease mechanism: loss of function.

Allele frequency attached by ClinVar (database versions not stated): TOPMed below 0.00001; gnomAD 0.00001.
gnomAD v4.1: 1 of 1,524,816 alleles (0.000066%); highest among the groups gnomAD compares: Non-Finnish European, 0.000091%; no homozygotes.

Submissions (2):

Ambry Genetics
Classification: Likely pathogenic for Cardiovascular phenotype; Hereditary cancer-predisposing syndrome. Last evaluated: 2026-07-08. Review status: criteria provided, single submitter. Criteria: Ambry Variant Classification Scheme 2023. Collection method: clinical testing. Allele origin: germline.
Comment: The c.205-6T>A intronic variant results from a T to A substitution 6 nucleotides upstream from coding exon 3 in the NF1 gene. This variant was reported in individual(s) with features consistent with neurofibromatosis type 1 (Wimmer K et al. Hum Mutat, 2020 Jun;41:1145-1156). This nucleotide position is highly conserved in available vertebrate species. In silico splice site analysis predicts that this alteration may weaken the native splice acceptor site and will result in the creation or strengthening of a novel splice acceptor site. RNA studies have demonstrated that this variant results in abnormal splicing (Wimmer K et al. Hum Mutat, 2020 Jun;41:1145-1156; Ambry internal data). This variant is considered to be rare based on population cohorts in the Genome Aggregation Database (gnomAD). Based on the majority of available evidence to date, this variant is likely to be pathogenic.

UAB Medical Genomics Laboratory, UAB Medicine
Classification: Pathogenic for Neurofibromatosis, type 1. Last evaluated: 2020-01-20. Review status: criteria provided, single submitter. Criteria: ACMG Guidelines, 2015. Collection method: clinical testing. Allele origin: germline. Affected: yes.

Literature cited by the submitters: PubMed 32126153 (cited by Ambry Genetics and UAB Medical Genomics Laboratory, UAB Medicine).